The following is an entry in ClinVar:

ClinVar aggregate classification (germline): Conflicting classifications of pathogenicity. Review status: criteria provided, conflicting classifications (1 of 4 stars). 2 submissions from 2 submitters: Uncertain significance (1); Likely benign (1). Last evaluated 2024-11-07.

Submissions (2):

Blueprint Genetics
Classification: Likely benign. Last evaluated: 2024-11-07. Review status: criteria provided, single submitter. Criteria: ACMG Guidelines, 2015. Collection method: clinical testing. Allele origin: germline.

CeGaT Center for Human Genetics Tuebingen
Classification: Uncertain significance. Last evaluated: 2023-10-01. Review status: criteria provided, single submitter. Criteria: CeGaT Center For Human Genetics Tuebingen Variant Classification Criteria Version 2. Collection method: clinical testing. Allele origin: germline. Affected: yes. Observed: 1 variant allele.
Comment: TBX4: PM4:Supporting

NM_001321120.2(TBX4):c.165CGC[4] (p.Ala60del)

Gene: TBX4 (T-box transcription factor 4; plus strand). Cytogenetic location: 17q23.2.
Variant type: Microsatellite.
Coding change: c.165CGC[4] on transcript NM_001321120.2 (MANE Select); four copies in a row of the 3-base unit CGC starting at c.165; the reference has five copies in a row; one copy, 3 bases deleted.
Protein change: p.Ala60del; deletes alanine 60.
Molecular consequence: inframe deletion.
Genome position (GRCh38, 1-based): chr17:61,456,667-61,456,669, CGC deleted; deleting any 3 consecutive bases within chr17:61,456,655-61,456,669 gives the same sequence; the position shown is the placement nearest the transcript's 3' end. VCF-style (leftmost placement, unchanged base first): chr17-61456654-TCGC-T. GRCh37 (hg19) VCF-style: chr17-59534015-TCGC-T.
Other names: c.165CGC[4], p.Ala60del (NM_018488.3); short protein forms A60del.
Identifiers: ClinVar variation 2647999 (VCV002647999.25), dbSNP rs772891363, ClinGen allele CA8689742.